The following is an entry in ClinVar:

ClinVar aggregate classification (germline): Uncertain significance (1 of 4 stars; one submission).

Submission:

Labcorp Genetics (formerly Invitae), Labcorp
Classification: Uncertain significance. Last evaluated: 2024-05-23. Review status: criteria provided, single submitter. Criteria: Invitae Variant Classification Sherloc (09022015). Collection method: clinical testing. Allele origin: germline.
Comment: This sequence change affects codon 683 of the ARHGEF1 mRNA. It is a 'silent' change, meaning that it does not change the encoded amino acid sequence of the ARHGEF1 protein. Information on the frequency of this variant in the gnomAD database is not available, as this variant may be reported differently in the database. This variant has not been reported in the literature in individuals affected with ARHGEF1-related conditions. Experimental studies and prediction algorithms are not available or were not evaluated, and the effect of this variant on mRNA splicing is currently unknown. In summary, the available evidence is currently insufficient to determine the role of this variant in disease. Therefore, it has been classified as a Variant of Uncertain Significance.

NM_004706.4(ARHGEF1):c.2004_2005delinsTT (p.Val668_Leu669=)

Gene: ARHGEF1 (Rho guanine nucleotide exchange factor 1; plus strand). Cytogenetic location: 19q13.2.
Variant type: Indel.
Coding change: c.2004_2005delinsTT on transcript NM_004706.4 (MANE Select); coding-DNA positions 2004 to 2005, GC replaced by TT.
Protein change: p.Val668_Leu669=.
Molecular consequence: synonymous variant. On other transcripts: non-coding transcript variant (2).
Genome position (GRCh38, 1-based): chr19:41,904,226-41,904,227, GC replaced by TT. VCF-style: chr19-41904226-GC-TT. GRCh37 (hg19) VCF-style: chr19-42408378-GC-TT.
Other names: c.2004_2005delinsTT, p.Val668_Leu669= (NM_001396006.1, NM_001396003.1); c.1905_1906delinsTT, p.Val635_Leu636= (NM_198977.2, NM_001396004.1, NM_001396002.1); c.2049_2050delinsTT, p.Val683_Leu684= (NM_199002.2); c.2172_2173delinsTT, p.Val724_Leu725= (NM_001396000.1).
Identifiers: ClinVar variation 3654421 (VCV003654421.2).